The following is an entry in ClinVar:

NM_001401501.2(MUC16):c.25769C>T (p.Pro8590Leu)

Gene: MUC16 (mucin 16, cell surface associated; minus strand). Cytogenetic location: 19p13.2.
Variant type: single nucleotide variant.
Coding change: c.25769C>T on transcript NM_001401501.2 (MANE Select); coding-DNA position 25769, C replaced by T.
Protein change: p.Pro8590Leu; replaces proline 8590 with leucine.
Molecular consequence: missense variant.
Genome position (GRCh38, 1-based): chr19:8,951,121, G>A on the plus strand (C>T on the coding strand, the complement: MUC16 is on the minus strand). VCF-style: chr19-8951121-G-A. GRCh37 (hg19) VCF-style: chr19-9061797-G-A.
Other names: c.26195C>T, p.Pro8732Leu (NM_001414686.1); c.25649C>T, p.Pro8550Leu (NM_001414687.1, NM_024690.2); short protein forms P8550L, P8590L, P8732L.
Identifiers: ClinVar variation 2584719 (VCV002584719.5), dbSNP rs56971020, ClinGen allele CA9168152.

ClinVar aggregate classification (germline): Likely benign. Review status: criteria provided, single submitter (1 of 4 stars). 2 submissions from 2 submitters: Likely benign (1). 1 of the submissions does not count toward it. Last evaluated 2026-02-01.

Conditions:
Ovarian cancer. Also called: OVARIAN CANCER, SOMATIC. Identifiers: Orphanet 213500, MedGen C1140680, MONDO:0008170, OMIM 167000.

Allele frequency attached by ClinVar (database versions not stated): gnomAD exomes 0.00095; ExAC 0.00300; 1000 Genomes Project 0.00998; ESP Exome Variant Server 0.01050; 1000 Genomes Project 30x 0.01062; TOPMed 0.01102.

Submissions (2):

CeGaT Center for Human Genetics Tuebingen
Classification: Likely benign. Last evaluated: 2026-02-01. Review status: criteria provided, single submitter. Criteria: CeGaT Center For Human Genetics Tuebingen Variant Classification Criteria Version 2. Collection method: clinical testing. Allele origin: germline. Affected: yes. Observed: 1 variant allele.
Comment: MUC16: BP4, BS1

Key Laboratory of Carcinogenesis and Cancer Invasion, Central South University
Classification: Likely pathogenic for ovarian cancer. Review status: no assertion criteria provided. Collection method: clinical testing. Allele origin: somatic. Not counted in ClinVar's aggregate classification.